The following is an entry in ClinVar:

ClinVar aggregate classification (germline): Uncertain significance. Review status: criteria provided, multiple submitters, no conflicts (2 of 4 stars). 4 submissions from 4 submitters: Uncertain significance (4). Last evaluated 2025-01-20.

Conditions:
Fraser syndrome 2 (FRASRS2). Identifiers: MedGen C4540036, MONDO:0054738, OMIM 617666.
Inborn genetic diseases. Identifiers: MedGen C0950123, MeSH D030342.
Isolated cryptophthalmia. Also called: Cryptophthalmos, unilateral or bilateral, isolated; ANKYLOBLEPHARON, SIMPLE. Identifiers: Orphanet 91396, MedGen C1852453, MONDO:0007410, OMIM 123570.

Allele frequency attached by ClinVar (database versions not stated): ESP Exome Variant Server 0.00008; gnomAD 0.00019 and 0.00020; gnomAD exomes 0.00021 and 0.00024; ExAC 0.00023; TOPMed 0.00023.
gnomAD v4.1: 374 of 1,614,078 alleles (0.023%); highest among the groups gnomAD compares: Non-Finnish European, 0.03%; no homozygotes.

Submissions (4):

Labcorp Genetics (formerly Invitae), Labcorp
Classification: Uncertain significance. Last evaluated: 2025-01-20. Review status: criteria provided, single submitter. Criteria: Invitae Variant Classification Sherloc (09022015). Collection method: clinical testing. Allele origin: germline.
Comment: This sequence change replaces serine, which is neutral and polar, with glycine, which is neutral and non-polar, at codon 3140 of the FREM2 protein (p.Ser3140Gly). This variant is present in population databases (rs199853872, gnomAD 0.04%). This variant has not been reported in the literature in individuals affected with FREM2-related conditions. ClinVar contains an entry for this variant (Variation ID: 312041). Invitae Evidence Modeling of protein sequence and biophysical properties (such as structural, functional, and spatial information, amino acid conservation, physicochemical variation, residue mobility, and thermodynamic stability) indicates that this missense variant is not expected to disrupt FREM2 protein function with a negative predictive value of 80%. In summary, the available evidence is currently insufficient to determine the role of this variant in disease. Therefore, it has been classified as a Variant of Uncertain Significance.

Fulgent Genetics
Classification: Uncertain significance for Isolated cryptophthalmia; Fraser syndrome 2. Last evaluated: 2024-03-06. Review status: criteria provided, single submitter. Criteria: ACMG Guidelines, 2015. Collection method: clinical testing. Allele origin: germline.

Ambry Genetics
Classification: Uncertain significance for Inborn genetic diseases. Last evaluated: 2024-01-16. Review status: criteria provided, single submitter. Criteria: Ambry Variant Classification Scheme 2023. Collection method: clinical testing. Allele origin: germline.

Illumina Laboratory Services, Illumina
Classification: Uncertain significance for Fraser syndrome 2. Last evaluated: 2018-01-12. Review status: criteria provided, single submitter. Criteria: ICSL Variant Classification Criteria 13 December 2019. Collection method: clinical testing. Allele origin: germline.

NM_207361.6(FREM2):c.9418A>G (p.Ser3140Gly)

Gene: FREM2 (FRAS1 related extracellular matrix 2; plus strand). Cytogenetic location: 13q13.3.
Variant type: single nucleotide variant.
Coding change: c.9418A>G on transcript NM_207361.6 (MANE Select); coding-DNA position 9418, A replaced by G.
Protein change: p.Ser3140Gly; replaces serine 3140 with glycine.
Molecular consequence: missense variant.
Genome position (GRCh38, 1-based): chr13:38,880,695, A>G. VCF-style: chr13-38880695-A-G. GRCh37 (hg19) VCF-style: chr13-39454832-A-G.
Other names: short protein forms S3140G.
Identifiers: ClinVar variation 312041 (VCV000312041.10), dbSNP rs199853872, ClinGen allele CA6956378.